The following is an entry in ClinVar:

ClinVar aggregate classification (germline): Conflicting classifications of pathogenicity. Review status: criteria provided, conflicting classifications (1 of 4 stars). 3 submissions from 3 submitters: Uncertain significance (2); Likely benign (1). Last evaluated 2025-02-27.

Conditions:
Inborn genetic diseases. Identifiers: MedGen C0950123, MeSH D030342.
Charcot-Marie-Tooth disease type 4. Also called: Charcot-Marie-Tooth disease, type IV; Charcot-Marie-Tooth, Type 4. Identifiers: Orphanet 64749, MedGen C4082197, MONDO:0018995.

Allele frequency attached by ClinVar (database versions not stated): gnomAD exomes 0.00001 and 0.00002; ExAC 0.00002; TOPMed 0.00002; 1000 Genomes Project 30x 0.00016; 1000 Genomes Project 0.00020.
gnomAD v4.1: 29 of 1,614,076 alleles (0.0018%); highest among the groups gnomAD compares: African/African-American, 0.0027%; no homozygotes.

Submissions (3):

GeneDx
Classification: Uncertain significance. Last evaluated: 2025-02-27. Review status: criteria provided, single submitter. Criteria: GeneDx Variant Classification Process June 2021. Collection method: clinical testing. Allele origin: germline. Affected: yes.
Comment: Not observed at significant frequency in large population cohorts (gnomAD); In silico analysis indicates that this missense variant does not alter protein structure/function; Has not been previously published as pathogenic or benign to our knowledge

Ambry Genetics
Classification: Likely benign for Inborn genetic diseases. Last evaluated: 2024-12-07. Review status: criteria provided, single submitter. Criteria: Ambry Variant Classification Scheme 2023. Collection method: clinical testing. Allele origin: germline.

Labcorp Genetics (formerly Invitae), Labcorp
Classification: Uncertain significance for Charcot-Marie-Tooth disease type 4. Last evaluated: 2021-09-30. Review status: criteria provided, single submitter. Criteria: Invitae Variant Classification Sherloc (09022015). Collection method: clinical testing. Allele origin: germline.
Comment: This sequence change replaces arginine with glutamine at codon 881 of the PRX protein (p.Arg881Gln). The arginine residue is weakly conserved and there is a small physicochemical difference between arginine and glutamine. This variant is present in population databases (rs570264094, ExAC 0.01%). This variant has not been reported in the literature in individuals affected with PRX-related conditions. Algorithms developed to predict the effect of missense changes on protein structure and function output the following: SIFT: "Tolerated"; PolyPhen-2: "Benign"; Align-GVGD: "Class C0". The glutamine amino acid residue is found in multiple mammalian species, which suggests that this missense change does not adversely affect protein function. In summary, the available evidence is currently insufficient to determine the role of this variant in disease. Therefore, it has been classified as a Variant of Uncertain Significance.

NM_181882.3(PRX):c.2642G>A (p.Arg881Gln)

Gene: PRX (periaxin; minus strand). Cytogenetic location: 19q13.2.
Variant type: single nucleotide variant.
Coding change: c.2642G>A on transcript NM_181882.3 (MANE Select); coding-DNA position 2642, G replaced by A.
Protein change: p.Arg881Gln; replaces arginine 881 with glutamine.
Molecular consequence: missense variant. On other transcripts: 3 prime UTR variant (1).
Genome position (GRCh38, 1-based): chr19:40,395,710, C>T on the plus strand (G>A on the coding strand, the complement: PRX is on the minus strand). VCF-style: chr19-40395710-C-T. GRCh37 (hg19) VCF-style: chr19-40901617-C-T.
Other names: c.2642G>A (NM_181882.2); c.*2847G>A (NM_020956.2); short protein forms R881Q.
Identifiers: ClinVar variation 1461715 (VCV001461715.5), dbSNP rs570264094, ClinGen allele CA9444011.